The following is an entry in ClinVar:

ClinVar aggregate classification (germline): Uncertain significance (1 of 4 stars; one submission).

Conditions:
Emery-Dreifuss muscular dystrophy 5, autosomal dominant (EDMD5). Also called: EMERY-DREIFUSS MUSCULAR DYSTROPHY 5. Identifiers: Orphanet 261, MedGen C2751805, MONDO:0013072, OMIM 612999.

Submission:

Labcorp Genetics (formerly Invitae), Labcorp
Classification: Uncertain significance for Emery-Dreifuss muscular dystrophy 5, autosomal dominant. Last evaluated: 2022-06-30. Review status: criteria provided, single submitter. Criteria: Invitae Variant Classification Sherloc (09022015). Collection method: clinical testing. Allele origin: germline.
Comment: In summary, the available evidence is currently insufficient to determine the role of this variant in disease. Therefore, it has been classified as a Variant of Uncertain Significance. Algorithms developed to predict the effect of missense changes on protein structure and function are either unavailable or do not agree on the potential impact of this missense change (SIFT: "Deleterious"; PolyPhen-2: "Probably Damaging"; Align-GVGD: "Class C0"). This variant has not been reported in the literature in individuals affected with SYNE2-related conditions. This variant is not present in population databases (gnomAD no frequency). This sequence change replaces leucine, which is neutral and non-polar, with proline, which is neutral and non-polar, at codon 1771 of the SYNE2 protein (p.Leu1771Pro).

NM_182914.3(SYNE2):c.5312T>C (p.Leu1771Pro)

Gene: SYNE2 (spectrin repeat containing nuclear envelope protein 2; plus strand). Cytogenetic location: 14q23.2.
Variant type: single nucleotide variant.
Coding change: c.5312T>C on transcript NM_182914.3 (MANE Select); coding-DNA position 5312, T replaced by C.
Protein change: p.Leu1771Pro; replaces leucine 1771 with proline.
Molecular consequence: missense variant.
Genome position (GRCh38, 1-based): chr14:64,021,475, T>C. VCF-style: chr14-64021475-T-C. GRCh37 (hg19) VCF-style: chr14-64488193-T-C.
Other names: c.5312T>C, p.Leu1771Pro (NM_015180.6); short protein forms L1771P.
Identifiers: ClinVar variation 2124303 (VCV002124303.4), dbSNP rs1259896653, ClinGen allele CA389941116.